The following is an entry in ClinVar:

NM_144573.4(NEXN):c.1809T>C (p.Val603=)

Gene: NEXN (nexilin F-actin binding protein; plus strand). Cytogenetic location: 1p31.1.
Variant type: single nucleotide variant.
Coding change: c.1809T>C on transcript NM_144573.4 (MANE Select); coding-DNA position 1809, T replaced by C.
Protein change: p.Val603=; no amino-acid change (valine 603 retained).
Molecular consequence: synonymous variant.
Genome position (GRCh38, 1-based): chr1:77,942,610, T>C. VCF-style: chr1-77942610-T-C. GRCh37 (hg19) VCF-style: chr1-78408295-T-C.
Other names: c.1617T>C, p.Val539= (NM_001172309.2).
Identifiers: ClinVar variation 2638892 (VCV002638892.24), dbSNP rs1571175311, ClinGen allele CA418709530.

ClinVar aggregate classification (germline): Likely benign (1 of 4 stars; one submission).

Submission:

CeGaT Center for Human Genetics Tuebingen
Classification: Likely benign. Last evaluated: 2022-08-01. Review status: criteria provided, single submitter. Criteria: CeGaT Center For Human Genetics Tuebingen Variant Classification Criteria Version 2. Collection method: clinical testing. Allele origin: germline. Affected: yes. Observed: 1 variant allele.
Comment: NEXN: PM2:Supporting, BP4, BP7